The following is an entry in ClinVar:

ClinVar aggregate classification (germline): Pathogenic (1 of 4 stars; one submission).

Submission:

Labcorp Genetics (formerly Invitae), Labcorp
Classification: Pathogenic. Last evaluated: 2022-06-13. Review status: criteria provided, single submitter. Criteria: Invitae Variant Classification Sherloc (09022015). Collection method: clinical testing. Allele origin: germline.
Comment: This sequence change creates a premature translational stop signal (p.Asp149Leufs*18) in the LCT gene. It is expected to result in an absent or disrupted protein product. Loss-of-function variants in LCT are known to be pathogenic (PMID: 16400612, 25881162). For these reasons, this variant has been classified as Pathogenic. This variant has not been reported in the literature in individuals affected with LCT-related conditions. This variant is not present in population databases (gnomAD no frequency).

Literature cited by the submitters: PubMed 16400612; PubMed 25881162.

NM_002299.4(LCT):c.443_444dup (p.Asp149fs)

Gene: LCT (lactase; minus strand). Cytogenetic location: 2q21.3.
Variant type: Duplication.
Coding change: c.443_444dup on transcript NM_002299.4 (MANE Select); coding-DNA positions 443 to 444, 2 bases duplicated (CT; older notation c.443_444dupCT).
Protein change: p.Asp149fs; shifts the reading frame from aspartic acid 149.
Molecular consequence: frameshift variant.
Genome position (GRCh38, 1-based): chr2:135,836,726-135,836,727, AG duplicated on the plus strand (CT on the coding strand, the reverse complement: LCT is on the minus strand). VCF-style (leftmost placement, unchanged base first): chr2-135836725-C-CAG. GRCh37 (hg19) VCF-style: chr2-136594295-C-CAG.
Other names: short protein forms D149fs.
Identifiers: ClinVar variation 1453122 (VCV001453122.6), dbSNP rs2105562669, ClinGen allele CA2573133183.